The following is an entry in ClinVar:

ClinVar aggregate classification (germline): Likely pathogenic (1 of 4 stars; one submission).

Conditions:
Pontocerebellar hypoplasia type 1A (PCH1A). Also called: PONTOCEREBELLAR HYPOPLASIA WITH ANTERIOR HORN CELL DISEASE; PONTOCEREBELLAR HYPOPLASIA WITH INFANTILE SPINAL MUSCULAR ATROPHY. Identifiers: Orphanet 2254, Orphanet 88616, MedGen C1843504, MONDO:0011866, OMIM 607596.

Submission:

Labcorp Genetics (formerly Invitae), Labcorp
Classification: Likely pathogenic for Pontocerebellar hypoplasia type 1A. Last evaluated: 2023-11-25. Review status: criteria provided, single submitter. Criteria: Invitae Variant Classification Sherloc (09022015). Collection method: clinical testing. Allele origin: germline.
Comment: This sequence change affects an acceptor splice site in intron 8 of the VRK1 gene. It is expected to disrupt RNA splicing. Variants that disrupt the donor or acceptor splice site typically lead to a loss of protein function (PMID: 16199547), and loss-of-function variants in VRK1 are known to be pathogenic (PMID: 19646678, 24126608, 27281532). This variant is not present in population databases (gnomAD no frequency). This variant has not been reported in the literature in individuals affected with VRK1-related conditions. ClinVar contains an entry for this variant (Variation ID: 2190145). Algorithms developed to predict the effect of sequence changes on RNA splicing suggest that this variant may disrupt the consensus splice site. In summary, the currently available evidence indicates that the variant is pathogenic, but additional data are needed to prove that conclusively. Therefore, this variant has been classified as Likely Pathogenic.

Literature cited by the submitters: PubMed 16199547; PubMed 19646678; PubMed 24126608; PubMed 27281532.

NM_003384.3(VRK1):c.710-1G>A

Gene: VRK1 (VRK serine/threonine kinase 1; plus strand). Cytogenetic location: 14q32.2.
Variant type: single nucleotide variant.
Coding change: c.710-1G>A on transcript NM_003384.3 (MANE Select); the canonical splice acceptor site of the intron before coding-DNA position 710, G replaced by A.
Molecular consequence: splice acceptor variant.
Genome position (GRCh38, 1-based): chr14:96,856,129, G>A. VCF-style: chr14-96856129-G-A. GRCh37 (hg19) VCF-style: chr14-97322466-G-A.
Other names: c.710-1G>A (NM_001411051.1, NM_001411053.1).
Identifiers: ClinVar variation 2190145 (VCV002190145.5), dbSNP rs2504194332, ClinGen allele CA390931352.